The following is an entry in ClinVar:

ClinVar aggregate classification (germline): Conflicting classifications of pathogenicity. Review status: criteria provided, conflicting classifications (1 of 4 stars). 6 submissions from 6 submitters: Uncertain significance (3); Likely benign (2). 1 of the submissions does not count toward it. Last evaluated 2026-01-31.

Conditions:
Cone-rod dystrophy 3 (CORD3). Identifiers: Orphanet 1872, MedGen C1858806, MONDO:0011395, OMIM 604116.
Severe early-childhood-onset retinal dystrophy (STGD1). Also called: Stargardt macular dystrophy; Juvenile onset macular degeneration; Stargardt disease 1; MACULAR DYSTROPHY WITH FLECKS, TYPE 1; STGD. Identifiers: Orphanet 364055, Orphanet 827, MedGen C1855465, MeSH D000080362, MONDO:0009549, OMIM 248200.
Retinitis pigmentosa 19 (RP19). Also called: ABCA4-Related Retinitis Pigmentosa. Identifiers: Orphanet 791, MedGen C1866422, MONDO:0011137, OMIM 601718.
Age related macular degeneration 2. Also called: MACULOPATHY, AGE-RELATED; MACULAR DEGENERATION, SENILE; MACULOPATHY, AGE-RELATED, 2. Identifiers: MedGen C3495438, MONDO:0007932, OMIM 153800.
ABCA4-related disorder. Also called: ABCA4-related disorders; ABCA4-related condition. Identifiers: MedGen CN239167.
Inborn genetic diseases. Identifiers: MedGen C0950123, MeSH D030342.

Allele frequency attached by ClinVar (database versions not stated): ExAC 0.00049; ESP Exome Variant Server 0.00161; TOPMed 0.00175; gnomAD exomes 0.00037 and 0.00013; gnomAD 0.00180 and 0.00183; 1000 Genomes Project 30x 0.00250; 1000 Genomes Project 0.00240.
gnomAD v4.1: 471 of 1,612,466 alleles (0.029%); highest among the groups gnomAD compares: African/African-American, 0.54%; 1 homozygote.

Submissions (6):

Labcorp Genetics (formerly Invitae), Labcorp
Classification: Likely benign. Last evaluated: 2026-01-31. Review status: criteria provided, single submitter. Criteria: Invitae Variant Classification Sherloc (09022015). Collection method: clinical testing. Allele origin: germline.

Ambry Genetics
Classification: Uncertain significance for Inborn genetic diseases. Last evaluated: 2025-08-08. Review status: criteria provided, single submitter. Criteria: Ambry Variant Classification Scheme 2023. Collection method: clinical testing. Allele origin: germline.

Blueprint Genetics
Classification: Likely benign. Last evaluated: 2024-05-24. Review status: criteria provided, single submitter. Criteria: ACMG Guidelines, 2015. Collection method: clinical testing. Allele origin: germline.

Fulgent Genetics
Classification: Uncertain significance for Age related macular degeneration 2; Severe early-childhood-onset retinal dystrophy; Retinitis pigmentosa 19; Cone-rod dystrophy 3. Last evaluated: 2018-10-31. Review status: criteria provided, single submitter. Criteria: ACMG Guidelines, 2015. Collection method: clinical testing. Allele origin: unknown.

GeneDx
Classification: Uncertain significance. Last evaluated: 2016-05-19. Review status: criteria provided, single submitter. Criteria: GeneDx Variant Classification (06012015). Collection method: clinical testing. Allele origin: germline. Affected: yes.
Comment: The M280L variant has not been published as a pathogenic variant, nor has it been reported as a benign variant to our knowledge. The NHLBI Exome Sequencing Project reports M280L was observed in 20/4406 (0.45%) alleles from individuals of African American background, and the 1000 Genomes Project Consortium reports M280L was observed in 10/1322 (0.76%) alleles from individuals of African background indicating it may be a rare variant in this population. The M280L variant is a conservative amino acid substitution, which is not likely to impact secondary protein structure as these residues share similar properties. This substitution occurs at a position that is not conserved. In silico analysis predicts this variant likely does not alter the protein structure/function. A missense variant in the same residue (M280T) has been reported in the Human Gene Mutation Database in association with Stargardt disease (Stenson et al., 2014). Therefore, based on the currently available information, it is unclear whether this variant is a pathogenic variant or a rare benign variant.

PreventionGenetics, part of Exact Sciences
Classification: Likely benign for ABCA4-related condition. Last evaluated: 2022-04-06. Review status: no assertion criteria provided. Collection method: clinical testing. Allele origin: germline. Not counted in ClinVar's aggregate classification.
Comment: This variant is classified as likely benign based on ACMG/AMP sequence variant interpretation guidelines (Richards et al. 2015 PMID: 25741868, with internal and published modifications).

NM_000350.3(ABCA4):c.838A>T (p.Met280Leu)

Gene: ABCA4 (ATP binding cassette subfamily A member 4; minus strand). Cytogenetic location: 1p22.1.
Variant type: single nucleotide variant.
Coding change: c.838A>T on transcript NM_000350.3 (MANE Select); coding-DNA position 838, A replaced by T.
Protein change: p.Met280Leu; replaces methionine 280 with leucine.
Molecular consequence: missense variant.
Genome position (GRCh38, 1-based): chr1:94,083,372, T>A on the plus strand (A>T on the coding strand, the complement: ABCA4 is on the minus strand). VCF-style: chr1-94083372-T-A. GRCh37 (hg19) VCF-style: chr1-94548928-T-A.
Other names: c.838A>T, p.Met280Leu (NM_001425324.1); short protein forms M280L.
Identifiers: ClinVar variation 265010 (VCV000265010.19), dbSNP rs138682163, ClinGen allele CA958711.